The following is an entry in ClinVar:

ClinVar aggregate classification (germline): Uncertain significance (1 of 4 stars; one submission).

Conditions:
Aortic valve disease 2 (AOVD2). Identifiers: MedGen C3542024, MONDO:0013902, OMIM 614823.

Allele frequency attached by ClinVar (database versions not stated): gnomAD exomes 0.00001 and 0.00006.
gnomAD v4.1: 12 of 1,343,958 alleles (0.00089%); highest among the groups gnomAD compares: Non-Finnish European, 0.0011%; no homozygotes.

Submission:

Labcorp Genetics (formerly Invitae), Labcorp
Classification: Uncertain significance for Aortic valve disease 2. Last evaluated: 2026-01-12. Review status: criteria provided, single submitter. Criteria: Invitae Variant Classification Sherloc (09022015). Collection method: clinical testing. Allele origin: germline.
Comment: This sequence change replaces glycine, which is neutral and non-polar, with glutamic acid, which is acidic and polar, at codon 53 of the SMAD6 protein (p.Gly53Glu). The frequency data for this variant in the population databases is considered unreliable, as metrics indicate poor data quality at this position in the gnomAD database. This variant has not been reported in the literature in individuals affected with SMAD6-related conditions. ClinVar contains an entry for this variant (Variation ID: 1060397). An algorithm developed to predict the effect of missense changes on protein structure and function (PolyPhen-2) suggests that this variant is likely to be tolerated. In summary, the available evidence is currently insufficient to determine the role of this variant in disease. Therefore, it has been classified as a Variant of Uncertain Significance.

NM_005585.5(SMAD6):c.158G>A (p.Gly53Glu)

Gene: SMAD6 (SMAD family member 6; plus strand). Cytogenetic location: 15q22.31.
Variant type: single nucleotide variant.
Coding change: c.158G>A on transcript NM_005585.5 (MANE Select); coding-DNA position 158, G replaced by A.
Protein change: p.Gly53Glu; replaces glycine 53 with glutamic acid.
Molecular consequence: missense variant. On other transcripts: non-coding transcript variant (1).
Genome position (GRCh38, 1-based): chr15:66,703,416, G>A. VCF-style: chr15-66703416-G-A. GRCh37 (hg19) VCF-style: chr15-66995754-G-A.
Other names: short protein forms G53E.
Identifiers: ClinVar variation 1060397 (VCV001060397.9), dbSNP rs955270050, ClinGen allele CA392948752.